The following is an entry in ClinVar:

NM_014874.4(MFN2):c.481A>G (p.Asn161Asp)

Gene: MFN2 (mitofusin 2; plus strand). Cytogenetic location: 1p36.22.
Variant type: single nucleotide variant.
Coding change: c.481A>G on transcript NM_014874.4 (MANE Select); coding-DNA position 481, A replaced by G.
Protein change: p.Asn161Asp; replaces asparagine 161 with aspartic acid.
Molecular consequence: missense variant.
Genome position (GRCh38, 1-based): chr1:11,997,303, A>G. VCF-style: chr1-11997303-A-G. GRCh37 (hg19) VCF-style: chr1-12057360-A-G.
Other names: c.481A>G, p.Asn161Asp (NM_001127660.2); short protein forms N161D.
Identifiers: ClinVar variation 4709691 (VCV004709691.1).

ClinVar aggregate classification (germline): Uncertain significance (1 of 4 stars; one submission).

Conditions:
Charcot-Marie-Tooth disease type 2. Also called: Charcot-Marie-Tooth type 2. Identifiers: Orphanet 64746, MedGen C0270914, MONDO:0018993.

Submission:

Labcorp Genetics (formerly Invitae), Labcorp
Classification: Uncertain significance for Charcot-Marie-Tooth disease type 2. Last evaluated: 2025-07-27. Review status: criteria provided, single submitter. Criteria: Invitae Variant Classification Sherloc (09022015). Collection method: clinical testing. Allele origin: germline.
Comment: This sequence change replaces asparagine, which is neutral and polar, with aspartic acid, which is acidic and polar, at codon 161 of the MFN2 protein (p.Asn161Asp). This variant is not present in population databases (gnomAD no frequency). This variant has not been reported in the literature in individuals affected with MFN2-related conditions. Invitae Evidence Modeling of protein sequence and biophysical properties (such as structural, functional, and spatial information, amino acid conservation, physicochemical variation, residue mobility, and thermodynamic stability) has been performed for this missense variant. However, the output from this modeling did not meet the statistical confidence thresholds required to predict the impact of this variant on MFN2 protein function. In summary, the available evidence is currently insufficient to determine the role of this variant in disease. Therefore, it has been classified as a Variant of Uncertain Significance.